The following is an entry in ClinVar:

ClinVar aggregate classification (germline): Likely pathogenic. Review status: criteria provided, multiple submitters, no conflicts (2 of 4 stars). 3 submissions from 3 submitters: Likely pathogenic (3). Last evaluated 2024-12-31.

Conditions:
Sucrase-isomaltase deficiency (CSID). Also called: SI DEFICIENCY; Congenital sucrose isomaltose malabsorption; Sucrose isomaltose enzyme deficiency; Deficiency of isomaltase. Identifiers: Orphanet 35122, MedGen C1283620, MONDO:0009114, OMIM 222900.

Allele frequency attached by ClinVar (database versions not stated): gnomAD exomes below 0.00001; gnomAD 0.00001 and 0.00002; TOPMed 0.00002.
gnomAD v4.1: 6 of 1,603,956 alleles (0.00037%); highest among the groups gnomAD compares: Admixed American, 0.0017%; no homozygotes.

Submissions (3):

Labcorp Genetics (formerly Invitae), Labcorp
Classification: Likely pathogenic. Last evaluated: 2024-12-31. Review status: criteria provided, single submitter. Criteria: Invitae Variant Classification Sherloc (09022015). Collection method: clinical testing. Allele origin: germline.
Comment: This sequence change affects an acceptor splice site in intron 46 of the SI gene. It is expected to disrupt RNA splicing. Variants that disrupt the donor or acceptor splice site typically lead to a loss of protein function (PMID: 16199547), and loss-of-function variants in SI are known to be pathogenic (PMID: 16329100, 23103650, 25452324). This variant is not present in population databases (gnomAD no frequency). This variant has not been reported in the literature in individuals affected with SI-related conditions. ClinVar contains an entry for this variant (Variation ID: 1485022). Algorithms developed to predict the effect of sequence changes on RNA splicing suggest that this variant may disrupt the consensus splice site. In summary, the currently available evidence indicates that the variant is pathogenic, but additional data are needed to prove that conclusively. Therefore, this variant has been classified as Likely Pathogenic.

GeneDx
Classification: Likely pathogenic. Last evaluated: 2024-08-16. Review status: criteria provided, single submitter. Criteria: GeneDx Variant Classification Process June 2021. Collection method: clinical testing. Allele origin: germline. Affected: yes.
Comment: Canonical splice site variant predicted to result in an in-frame loss of the adjacent exon in a gene for which loss of function is a known mechanism of disease; Not observed at significant frequency in large population cohorts (gnomAD); Has not been previously published as pathogenic or benign to our knowledge; This variant is associated with the following publications: (PMID: 25452324, 23103650, 16329100)

Fulgent Genetics
Classification: Likely pathogenic for Sucrase-isomaltase deficiency. Last evaluated: 2024-04-20. Review status: criteria provided, single submitter. Criteria: ACMG Guidelines, 2015. Collection method: clinical testing. Allele origin: germline.

Literature cited by the submitters: PubMed 16199547 (cited by Labcorp Genetics (formerly Invitae), Labcorp); PubMed 16329100 (cited by Labcorp Genetics (formerly Invitae), Labcorp); PubMed 23103650 (cited by Labcorp Genetics (formerly Invitae), Labcorp); PubMed 25452324 (cited by Labcorp Genetics (formerly Invitae), Labcorp).

NM_001041.4(SI):c.5248-2A>C

Gene: SI (sucrase-isomaltase; minus strand). Cytogenetic location: 3q26.1.
Variant type: single nucleotide variant.
Coding change: c.5248-2A>C on transcript NM_001041.4 (MANE Select); the canonical splice acceptor site of the intron before coding-DNA position 5248, A replaced by C.
Molecular consequence: splice acceptor variant.
Genome position (GRCh38, 1-based): chr3:164,982,412, T>G on the plus strand (A>C on the coding strand, the complement: SI is on the minus strand). VCF-style: chr3-164982412-T-G. GRCh37 (hg19) VCF-style: chr3-164700200-T-G.
Identifiers: ClinVar variation 1485022 (VCV001485022.9), dbSNP rs1298467427, ClinGen allele CA355107749.